The following is an entry in ClinVar:

NM_003640.5(ELP1):c.2370A>T (p.Glu790Asp)

Gene: ELP1 (elongator acetyltransferase complex subunit 1; minus strand). Cytogenetic location: 9q31.3.
Variant type: single nucleotide variant.
Coding change: c.2370A>T on transcript NM_003640.5 (MANE Select); coding-DNA position 2370, A replaced by T.
Protein change: p.Glu790Asp; replaces glutamic acid 790 with aspartic acid.
Molecular consequence: missense variant.
Genome position (GRCh38, 1-based): chr9:108,897,279, T>A on the plus strand (A>T on the coding strand, the complement: ELP1 is on the minus strand). VCF-style: chr9-108897279-T-A. GRCh37 (hg19) VCF-style: chr9-111659559-T-A.
Other names: c.2028A>T, p.Glu676Asp (NM_001318360.2); c.1323A>T, p.Glu441Asp (NM_001330749.2); short protein forms E441D, E676D, E790D.
Identifiers: ClinVar variation 1799807 (VCV001799807.4), dbSNP rs772114554, ClinGen allele CA374421597.

ClinVar aggregate classification (germline): Uncertain significance. Review status: criteria provided, multiple submitters, no conflicts (2 of 4 stars). 2 submissions from 2 submitters: Uncertain significance (2). Last evaluated 2022-04-15.

Submissions (2):

Labcorp Genetics (formerly Invitae), Labcorp
Classification: Uncertain significance. Last evaluated: 2022-04-15. Review status: criteria provided, single submitter. Criteria: Invitae Variant Classification Sherloc (09022015). Collection method: clinical testing. Allele origin: germline.
Comment: This sequence change replaces glutamic acid, which is acidic and polar, with aspartic acid, which is acidic and polar, at codon 790 of the ELP1 protein (p.Glu790Asp). This variant is not present in population databases (gnomAD no frequency). This variant has not been reported in the literature in individuals affected with ELP1-related conditions. Algorithms developed to predict the effect of missense changes on protein structure and function are either unavailable or do not agree on the potential impact of this missense change (SIFT: "Tolerated"; PolyPhen-2: "Probably Damaging"; Align-GVGD: "Class C0"). In summary, the available evidence is currently insufficient to determine the role of this variant in disease. Therefore, it has been classified as a Variant of Uncertain Significance.

Ambry Genetics
Classification: Uncertain significance. Last evaluated: 2021-10-11. Review status: criteria provided, single submitter. Criteria: Ambry Variant Classification Scheme 2023. Collection method: clinical testing. Allele origin: germline.
Comment: The p.E790D variant (also known as c.2370A>T), located in coding exon 22 of the IKBKAP gene, results from an A to T substitution at nucleotide position 2370. The glutamic acid at codon 790 is replaced by aspartic acid, an amino acid with highly similar properties. This amino acid position is conserved. In addition, this alteration is predicted to be tolerated by in silico analysis. Since supporting evidence is limited at this time, the clinical significance of this alteration remains unclear.